The following is an entry in ClinVar:

ClinVar aggregate classification (germline): Pathogenic (1 of 4 stars; one submission).

Conditions:
Osteogenesis imperfecta type I (OI1). Also called: OI, TYPE I; OSTEOGENESIS IMPERFECTA TARDA; OSTEOGENESIS IMPERFECTA WITH BLUE SCLERAE; Osteogenesis imperfecta type 1; Lobstein disease; Lobstein's Disease. Identifiers: Orphanet 216796, Orphanet 666, MedGen C0023931, MONDO:0008146, OMIM 166200. Disease mechanism: loss of function.

Submission:

Labcorp Genetics (formerly Invitae), Labcorp
Classification: Pathogenic for Osteogenesis imperfecta type I. Last evaluated: 2025-12-15. Review status: criteria provided, single submitter. Criteria: Invitae Variant Classification Sherloc (09022015). Collection method: clinical testing. Allele origin: germline.
Comment: This sequence change creates a premature translational stop signal (p.Cys63*) in the COL1A1 gene. It is expected to result in an absent or disrupted protein product. Loss-of-function variants in COL1A1 are known to be pathogenic (PMID: 7942841, 9295084, 9443882). This variant is not present in population databases (gnomAD no frequency). This premature translational stop signal has been observed in individuals with osteogenesis imperfecta (PMID: 27335225, 29150909). ClinVar contains an entry for this variant (Variation ID: 2138089). For these reasons, this variant has been classified as Pathogenic.

Literature cited by the submitters: PubMed 7942841; PubMed 9295084; PubMed 9443882; PubMed 27335225; PubMed 29150909.

NM_000088.4(COL1A1):c.189C>A (p.Cys63Ter)

Gene: COL1A1 (collagen type I alpha 1 chain; minus strand). Cytogenetic location: 17q21.33.
Variant type: single nucleotide variant.
Coding change: c.189C>A on transcript NM_000088.4 (MANE Select); coding-DNA position 189, C replaced by A.
Protein change: p.Cys63Ter; replaces cysteine 63 with a stop codon.
Molecular consequence: nonsense.
Genome position (GRCh38, 1-based): chr17:50,199,862, G>T on the plus strand (C>A on the coding strand, the complement: COL1A1 is on the minus strand). VCF-style: chr17-50199862-G-T. GRCh37 (hg19) VCF-style: chr17-48277223-G-T.
Other names: short protein forms C63*.
Identifiers: ClinVar variation 2138089 (VCV002138089.4), dbSNP rs779952705, ClinGen allele CA400228436.